The following is an entry in ClinVar:

NM_032816.5(CEP89):c.1189C>T (p.Arg397Ter)

Gene: CEP89 (centrosomal protein 89; minus strand). Cytogenetic location: 19q13.11.
Variant type: single nucleotide variant.
Coding change: c.1189C>T on transcript NM_032816.5 (MANE Select); coding-DNA position 1189, C replaced by T.
Protein change: p.Arg397Ter; replaces arginine 397 with a stop codon.
Molecular consequence: nonsense.
Genome position (GRCh38, 1-based): chr19:32,923,518, G>A on the plus strand (C>T on the coding strand, the complement: CEP89 is on the minus strand). VCF-style: chr19-32923518-G-A. GRCh37 (hg19) VCF-style: chr19-33414424-G-A.
Other names: short protein forms R397*.
Identifiers: ClinVar variation 1391653 (VCV001391653.6), dbSNP rs374612024, ClinGen allele CA9359370.

ClinVar aggregate classification (germline): Uncertain significance (1 of 4 stars; one submission).

Allele frequency attached by ClinVar (database versions not stated): gnomAD 0.00008 and 0.00009; TOPMed 0.00009; ESP Exome Variant Server 0.00015; 1000 Genomes Project 30x 0.00031; 1000 Genomes Project 0.00040.
gnomAD v4.1: 40 of 1,600,604 alleles (0.0025%); highest among the groups gnomAD compares: African/African-American, 0.031%; no homozygotes.

Submission:

Labcorp Genetics (formerly Invitae), Labcorp
Classification: Uncertain significance. Last evaluated: 2025-06-23. Review status: criteria provided, single submitter. Criteria: Invitae Variant Classification Sherloc (09022015). Collection method: clinical testing. Allele origin: germline.
Comment: This sequence change creates a premature translational stop signal (p.Arg397*) in the CEP89 gene. It is expected to result in an absent or disrupted protein product. However, the current clinical and genetic evidence is not sufficient to establish whether loss-of-function variants in CEP89 cause disease. This variant is present in population databases (rs374612024, gnomAD 0.04%). This variant has not been reported in the literature in individuals affected with CEP89-related conditions. ClinVar contains an entry for this variant (Variation ID: 1391653). Algorithms developed to predict the effect of sequence changes on RNA splicing suggest that this variant may disrupt the consensus splice site. In summary, the available evidence is currently insufficient to determine the role of this variant in disease. Therefore, it has been classified as a Variant of Uncertain Significance.